The following is an entry in ClinVar:

ClinVar aggregate classification (germline): Uncertain significance. Review status: criteria provided, multiple submitters, no conflicts (2 of 4 stars). 4 submissions from 4 submitters: Uncertain significance (4). Last evaluated 2025-04-25.

Conditions:
Inborn genetic diseases. Identifiers: MedGen C0950123, MeSH D030342.
Nephronophthisis. Also called: Juvenile Nephronophthisis. Identifiers: Orphanet 655, MedGen C0687120, MONDO:0019005, HP:0000090.

Allele frequency attached by ClinVar (database versions not stated): gnomAD exomes below 0.00001 and 0.00002; ExAC 0.00002; gnomAD 0.00003; TOPMed 0.00003; 1000 Genomes Project 30x 0.00016; 1000 Genomes Project 0.00020.
gnomAD v4.1: 7 of 1,614,092 alleles (0.00043%); highest among the groups gnomAD compares: African/African-American, 0.008%; no homozygotes.

Submissions (4):

Ambry Genetics
Classification: Uncertain significance for Inborn genetic diseases. Last evaluated: 2025-04-25. Review status: criteria provided, single submitter. Criteria: Ambry Variant Classification Scheme 2023. Collection method: clinical testing. Allele origin: germline.

Labcorp Genetics (formerly Invitae), Labcorp
Classification: Uncertain significance for Nephronophthisis. Last evaluated: 2024-10-21. Review status: criteria provided, single submitter. Criteria: Invitae Variant Classification Sherloc (09022015). Collection method: clinical testing. Allele origin: germline.
Comment: This sequence change replaces arginine, which is basic and polar, with serine, which is neutral and polar, at codon 339 of the INVS protein (p.Arg339Ser). The frequency data for this variant in the population databases is considered unreliable, as metrics indicate poor data quality at this position in the gnomAD database. This variant has not been reported in the literature in individuals affected with INVS-related conditions. ClinVar contains an entry for this variant (Variation ID: 502284). An algorithm developed to predict the effect of missense changes on protein structure and function (PolyPhen-2) suggests that this variant is likely to be tolerated. In summary, the available evidence is currently insufficient to determine the role of this variant in disease. Therefore, it has been classified as a Variant of Uncertain Significance.

Blueprint Genetics
Classification: Uncertain significance. Last evaluated: 2022-11-17. Review status: criteria provided, single submitter. Criteria: ACMG Guidelines, 2015. Collection method: clinical testing. Allele origin: germline.

Eurofins Ntd Llc (ga)
Classification: Uncertain significance. Last evaluated: 2017-05-25. Review status: criteria provided, single submitter. Criteria: EGL Classification Definitions 2015. Collection method: clinical testing. Allele origin: germline. Observed: 1 variant allele, 1 heterozygote.

NM_014425.5(INVS):c.1017A>C (p.Arg339Ser)

Gene: INVS (inversin; plus strand). Cytogenetic location: 9q31.1.
Variant type: single nucleotide variant.
Coding change: c.1017A>C on transcript NM_014425.5 (MANE Select); coding-DNA position 1017, A replaced by C.
Protein change: p.Arg339Ser; replaces arginine 339 with serine.
Molecular consequence: missense variant. On other transcripts: non-coding transcript variant (1).
Genome position (GRCh38, 1-based): chr9:100,246,726, A>C. VCF-style: chr9-100246726-A-C. GRCh37 (hg19) VCF-style: chr9-103009008-A-C.
Other names: c.1017A>C (NM_014425.2); c.729A>C, p.Arg243Ser (NM_001318381.2); c.39A>C, p.Arg13Ser (NM_001318382.2); short protein forms R339S, R243S, R13S.
Identifiers: ClinVar variation 502284 (VCV000502284.14), dbSNP rs201043963, ClinGen allele CA5158305.
Genomic context (GRCh38, chr9:100,246,726, plus strand): 5'-CCTGGAAGGAAGAACATCCTTTATGTGGGCAGCTGGCAAAGGCAGTGATGATGTCCTTAG[A>C]ACTATGCTGAGCTTAAAATCGGACATAGATATTAACATGGCTGACAAATATGGAGGTACA-3'
Protein context (NP_055240.2, residues 329-349): AAGKGSDDVL[Arg339Ser]TMLSLKSDID